The following is an entry in ClinVar:

NM_001039141.3(TRIOBP):c.5529G>A (p.Thr1843=)

Genes: TRIOBP (TRIO and F-actin binding protein; plus strand), LOC126863145 (CDK7 strongly-dependent group 2 enhancer GRCh37_chr22:38150829-38152028; plus strand). Cytogenetic location: 22q13.1.
Variant type: single nucleotide variant.
Coding change: c.5529G>A on transcript NM_001039141.3 (MANE Select); coding-DNA position 5529, G replaced by A.
Protein change: p.Thr1843=; no amino-acid change (threonine 1843 retained).
Molecular consequence: synonymous variant.
Genome position (GRCh38, 1-based): chr22:37,755,142, G>A. VCF-style: chr22-37755142-G-A. GRCh37 (hg19) VCF-style: chr22-38151149-G-A.
Other names: c.390G>A, p.Thr130= (NM_007032.5, NM_138632.2).
Identifiers: ClinVar variation 505084 (VCV000505084.13), dbSNP rs531565607, ClinGen allele CA10224731.
Genomic context (GRCh38, chr22:37,755,142, plus strand): 5'-GTGGGCCCTCTTGCTCCAGGCAGATGAGCTGGATGGTGAGATCGACCTGCGTTCCTGCAC[G>A]GATGTCACTGAGTACGCGGTGCAGCGCAACTATGGCTTCCAGATCCACGTGAGGCTGTGT-3'
Protein context (NP_001034230.1, residues 1833-1853): LDGEIDLRSC[Thr1843=]DVTEYAVQRN

ClinVar aggregate classification (germline): Likely benign. Review status: criteria provided, multiple submitters, no conflicts (2 of 4 stars). 3 submissions from 3 submitters: Likely benign (3). Last evaluated 2025-09-22.

Allele frequency attached by ClinVar (database versions not stated): ExAC 0.00003; gnomAD exomes 0.00004; TOPMed 0.00005; gnomAD 0.00009.
gnomAD v4.1: 188 of 1,613,788 alleles (0.012%); highest among the groups gnomAD compares: African/African-American, 0.02%; no homozygotes.

Submissions (3):

Labcorp Genetics (formerly Invitae), Labcorp
Classification: Likely benign. Last evaluated: 2025-09-22. Review status: criteria provided, single submitter. Criteria: Invitae Variant Classification Sherloc (09022015). Collection method: clinical testing. Allele origin: germline.

GeneDx
Classification: Likely benign. Last evaluated: 2020-11-23. Review status: criteria provided, single submitter. Criteria: GeneDx Variant Classification Process June 2021. Collection method: clinical testing. Allele origin: germline. Affected: yes.

Laboratory for Molecular Medicine, Mass General Brigham Personalized Medicine
Classification: Likely benign. Last evaluated: 2016-06-07. Review status: criteria provided, single submitter. Criteria: LMM Criteria. Collection method: clinical testing. Allele origin: germline. Observed: 1 variant allele.
Comment: p.Thr1843Thr in exon 14 of TRIOBP: This variant is not expected to have clinical significance because it does not alter an amino acid residue and is not located within the splice consensus sequence. It has been identified in 2/61674 Europea n chromosomes by the Exome Aggregation Consortium (ExAC; dbSNP rs531565607).